The following is an entry in ClinVar:

ClinVar aggregate classification (germline): Pathogenic (1 of 4 stars; one submission).

Conditions:
Mosaic variegated aneuploidy syndrome 2 (MVA2). Identifiers: Orphanet 1052, MedGen C3279843, MONDO:0013582, OMIM 614114.

Submission:

Labcorp Genetics (formerly Invitae), Labcorp
Classification: Pathogenic for Mosaic variegated aneuploidy syndrome 2. Last evaluated: 2023-04-14. Review status: criteria provided, single submitter. Criteria: Invitae Variant Classification Sherloc (09022015). Collection method: clinical testing. Allele origin: germline.
Comment: This sequence change creates a premature translational stop signal (p.Tyr104*) in the CEP57 gene. It is expected to result in an absent or disrupted protein product. Loss-of-function variants in CEP57 are known to be pathogenic (PMID: 21552266, 24259107). This variant is not present in population databases (gnomAD no frequency). This premature translational stop signal has been observed in individual(s) with clinical features consistent with mosaic variegated aneuploidy (PMID: 35434947). For these reasons, this variant has been classified as Pathogenic.

Literature cited by the submitters: PubMed 21552266; PubMed 24259107; PubMed 35434947.

NM_014679.5(CEP57):c.312_313del (p.Tyr104_Lys105delinsTer)

Gene: CEP57 (centrosomal protein 57; plus strand). Cytogenetic location: 11q21.
Variant type: Microsatellite.
Coding change: c.312_313del on transcript NM_014679.5 (MANE Select); coding-DNA positions 312 to 313, 2 bases deleted (TA; older notation c.312_313delTA).
Protein change: p.Tyr104_Lys105delinsTer.
Molecular consequence: nonsense.
Genome position (GRCh38, 1-based): chr11:95,813,041-95,813,042, TA deleted; deleting any 2 consecutive bases within chr11:95,813,038-95,813,042 gives the same sequence; the c. name uses the placement nearest the transcript's 3' end. VCF-style (leftmost placement, unchanged base first): chr11-95813037-AAT-A. GRCh37 (hg19) VCF-style: chr11-95546201-AAT-A.
Other names: c.285_286del, p.Tyr95_Lys96delinsTer (NM_001243776.2); c.312_313del, p.Tyr104_Lys105delinsTer (NM_001243777.2); c.231_232del, p.Tyr77_Lys78delinsTer (NM_001363604.2).
Identifiers: ClinVar variation 2873280 (VCV002873280.3), dbSNP rs2496221057, ClinGen allele CA2739270751.